The following is an entry in ClinVar:

ClinVar aggregate classification (germline): Uncertain significance. Review status: criteria provided, multiple submitters, no conflicts (2 of 4 stars). 3 submissions from 3 submitters: Uncertain significance (3). Last evaluated 2026-01-09.

Conditions:
Inborn genetic diseases. Identifiers: MedGen C0950123, MeSH D030342.
DYRK1A-related intellectual disability syndrome (MRD7). Also called: Intellectual developmental disorder, autosomal dominant 7; DYRK1A Syndrome. Identifiers: Orphanet 464306, MedGen C5568143, MONDO:0013578, OMIM 614104.

Allele frequency attached by ClinVar (database versions not stated): gnomAD exomes below 0.00001 and 0.00003; gnomAD 0.00001; TOPMed 0.00002.
gnomAD v4.1: 39 of 1,614,114 alleles (0.0024%); highest among the groups gnomAD compares: Non-Finnish European, 0.0033%; no homozygotes.

Submissions (3):

Ambry Genetics
Classification: Uncertain significance for Inborn genetic diseases. Last evaluated: 2026-01-09. Review status: criteria provided, single submitter. Criteria: Ambry Variant Classification Scheme 2023. Collection method: clinical testing. Allele origin: germline.
Comment: The c.1402A>T (p.I468F) alteration is located in exon 9 (coding exon 9) of the DYRK1A gene. This alteration results from a A to T substitution at nucleotide position 1402, causing the isoleucine (I) at amino acid position 468 to be replaced by a phenylalanine (F). Based on data from gnomAD, the T allele has an overall frequency of <0.001% (1/251488) total alleles studied. The highest observed frequency was 0.001% (1/113766) of European (non-Finnish) alleles. Based on insufficient or conflicting evidence, the clinical significance of this alteration remains unclear.

Labcorp Genetics (formerly Invitae), Labcorp
Classification: Uncertain significance for DYRK1A-related intellectual disability syndrome. Last evaluated: 2024-10-22. Review status: criteria provided, single submitter. Criteria: Invitae Variant Classification Sherloc (09022015). Collection method: clinical testing. Allele origin: germline.
Comment: This sequence change replaces isoleucine, which is neutral and non-polar, with phenylalanine, which is neutral and non-polar, at codon 468 of the DYRK1A protein (p.Ile468Phe). This variant is present in population databases (no rsID available, gnomAD 0.0009%). This variant has not been reported in the literature in individuals affected with DYRK1A-related conditions. ClinVar contains an entry for this variant (Variation ID: 1514974). Invitae Evidence Modeling of protein sequence and biophysical properties (such as structural, functional, and spatial information, amino acid conservation, physicochemical variation, residue mobility, and thermodynamic stability) indicates that this missense variant is not expected to disrupt DYRK1A protein function with a negative predictive value of 80%. In summary, the available evidence is currently insufficient to determine the role of this variant in disease. Therefore, it has been classified as a Variant of Uncertain Significance.

GeneDx
Classification: Uncertain significance. Last evaluated: 2022-01-11. Review status: criteria provided, single submitter. Criteria: GeneDx Variant Classification Process June 2021. Collection method: clinical testing. Allele origin: germline. Affected: yes.
Comment: In silico analysis supports that this missense variant has a deleterious effect on protein structure/function; Has not been previously published as pathogenic or benign to our knowledge; This variant is associated with the following publications: (PMID: 25641759)

NM_001347721.2(DYRK1A):c.1375A>T (p.Ile459Phe)

Gene: DYRK1A (dual specificity tyrosine phosphorylation regulated kinase 1A; plus strand). Cytogenetic location: 21q22.13.
Variant type: single nucleotide variant.
Coding change: c.1375A>T on transcript NM_001347721.2 (MANE Select); coding-DNA position 1375, A replaced by T.
Protein change: p.Ile459Phe; replaces isoleucine 459 with phenylalanine.
Molecular consequence: missense variant.
Genome position (GRCh38, 1-based): chr21:37,505,445, A>T. VCF-style: chr21-37505445-A-T. GRCh37 (hg19) VCF-style: chr21-38877748-A-T.
Other names: c.1375A>T, p.Ile459Phe (NM_001347722.2, NM_130436.2); c.1288A>T, p.Ile430Phe (NM_001347723.2); c.1402A>T, p.Ile468Phe (NM_001396.5, NM_101395.2, NM_130438.2); short protein forms I430F, I459F, I468F.
Identifiers: ClinVar variation 1514974 (VCV001514974.8), dbSNP rs1263156590, ClinGen allele CA409938444.